The following is an entry in ClinVar:

ClinVar aggregate classification (germline): Uncertain significance (1 of 4 stars; one submission).

Conditions:
Tuberous sclerosis 2 (TSC2). Identifiers: Orphanet 805, MedGen C1860707, MONDO:0013199, OMIM 613254.

Submission:

Labcorp Genetics (formerly Invitae), Labcorp
Classification: Uncertain significance for Tuberous sclerosis 2. Last evaluated: 2024-04-29. Review status: criteria provided, single submitter. Criteria: Invitae Variant Classification Sherloc (09022015). Collection method: clinical testing. Allele origin: germline.
Comment: This sequence change replaces leucine, which is neutral and non-polar, with arginine, which is basic and polar, at codon 1311 of the TSC2 protein (p.Leu1311Arg). This variant is not present in population databases (gnomAD no frequency). This variant has not been reported in the literature in individuals affected with TSC2-related conditions. ClinVar contains an entry for this variant (Variation ID: 1046293). Advanced modeling of protein sequence and biophysical properties (such as structural, functional, and spatial information, amino acid conservation, physicochemical variation, residue mobility, and thermodynamic stability) performed at Invitae indicates that this missense variant is not expected to disrupt TSC2 protein function with a negative predictive value of 95%. In summary, the available evidence is currently insufficient to determine the role of this variant in disease. Therefore, it has been classified as a Variant of Uncertain Significance.

NM_000548.5(TSC2):c.3932T>G (p.Leu1311Arg)

Gene: TSC2 (TSC complex subunit 2; plus strand). Cytogenetic location: 16p13.3.
Variant type: single nucleotide variant.
Coding change: c.3932T>G on transcript NM_000548.5 (MANE Select); coding-DNA position 3932, T replaced by G.
Protein change: p.Leu1311Arg; replaces leucine 1311 with arginine.
Molecular consequence: missense variant.
Genome position (GRCh38, 1-based): chr16:2,083,743, T>G. VCF-style: chr16-2083743-T-G. GRCh37 (hg19) VCF-style: chr16-2133744-T-G.
Other names: c.3731T>G, p.Leu1244Arg (NM_001077183.3); c.3863T>G, p.Leu1288Arg (NM_001114382.3); c.3623T>G, p.Leu1208Arg (NM_001318827.2); c.3587T>G, p.Leu1196Arg (NM_001318829.2); c.3200T>G, p.Leu1067Arg (NM_001318831.2); c.3764T>G, p.Leu1255Arg (NM_001318832.2); c.3734T>G, p.Leu1245Arg (NM_001363528.2); c.3800T>G, p.Leu1267Arg (NM_001370404.1); and 1 more; short protein forms L1255R, L1311R, L1244R, L1267R, L1268R, L1067R, L1196R, L1208R.
Identifiers: ClinVar variation 1046293 (VCV001046293.8), dbSNP rs2090422516, ClinGen allele CA394297259.